The following is an entry in ClinVar:

ClinVar aggregate classification (germline): Pathogenic (1 of 4 stars; one submission).

Conditions:
Hereditary nonpolyposis colorectal neoplasms. Identifiers: MedGen C0009405, MeSH D003123.

Submission:

Labcorp Genetics (formerly Invitae), Labcorp
Classification: Pathogenic for Hereditary nonpolyposis colorectal neoplasms. Last evaluated: 2021-09-05. Review status: criteria provided, single submitter. Criteria: Invitae Variant Classification Sherloc (09022015). Collection method: clinical testing. Allele origin: germline.
Comment: For these reasons, this variant has been classified as Pathogenic. This variant has not been reported in the literature in individuals affected with PMS2-related conditions. This variant is a gross deletion of the genomic region encompassing exon(s) 1-2 of the PMS2 gene, which includes the initiator codon. This deletion extends beyond the assayed region for this gene and therefore may encompass additional genes. It is expected to result in an absent or disrupted protein product. Loss-of-function variants in PMS2 are known to be pathogenic (PMID: 21376568, 24362816).

Literature cited by the submitters: PubMed 21376568; PubMed 24362816.

NC_000007.13:g.(?_6045513)_(6049099_?)del

Genes: AIMP2 (aminoacyl tRNA synthetase complex interacting multifunctional protein 2; plus strand), PMS2 (PMS1 homolog 2, mismatch repair system component; minus strand). Cytogenetic location: 7p22.1.
Variant type: Deletion.
Identifiers: ClinVar variation 1455078 (VCV001455078.4).